The following is an entry in ClinVar:

NM_000722.4(CACNA2D1):c.355-14_355-13dup

Gene: CACNA2D1 (calcium voltage-gated channel auxiliary subunit alpha2delta 1; minus strand). Cytogenetic location: 7q21.11.
Variant type: Duplication.
Coding change: c.355-14_355-13dup on transcript NM_000722.4 (MANE Select); 14 bases into the intron before coding-DNA position 355 through 13 bases into the intron before coding-DNA position 355, 2 bases duplicated (TT; older notation c.355-14_355-13dupTT).
Molecular consequence: intron variant.
Genome position (GRCh38, 1-based): chr7:82,136,681-82,136,682, AA duplicated on the plus strand (TT on the coding strand, the reverse complement: CACNA2D1 is on the minus strand); duplicating any 2 consecutive bases within chr7:82,136,681-82,136,690 gives the same sequence; the c. name uses the placement nearest the transcript's 3' end. VCF-style (leftmost placement, unchanged base first): chr7-82136680-C-CAA. GRCh37 (hg19) VCF-style: chr7-81765996-C-CAA.
Other names: p.?; c.355-6_355-5dup (LRG_437t1, NM_000722.4); c.355-14_355-13dup (NM_001366867.1, NM_001302890.2); c.355-6_355-5dupTT (NM_000722.3).
Identifiers: ClinVar variation 220682 (VCV000220682.14), dbSNP rs142849270, ClinGen allele CA348141.

ClinVar aggregate classification (germline): Benign. Review status: criteria provided, multiple submitters, no conflicts (2 of 4 stars). 3 submissions from 3 submitters: Benign (3). Last evaluated 2026-02-02.

Conditions:
Brugada syndrome. Also called: Sudden Unexplained Death Syndrome; Sudden Unexplained Nocturnal Death Syndrome (SUNDS); Sudden unexpected nocturnal death syndrome; Sudden unexplained nocturnal death syndrome. Identifiers: Orphanet 130, MedGen C1142166, MONDO:0015263.

Submissions (3):

Labcorp Genetics (formerly Invitae), Labcorp
Classification: Benign for Brugada syndrome. Last evaluated: 2026-02-02. Review status: criteria provided, single submitter. Criteria: Invitae Variant Classification Sherloc (09022015). Collection method: clinical testing. Allele origin: germline.

Mayo Clinic Laboratories, Mayo Clinic
Classification: Benign. Last evaluated: 2024-01-03. Review status: criteria provided, single submitter. Criteria: ACMG Guidelines, 2015. Collection method: clinical testing. Allele origin: germline. Observed: 3 variant alleles.
Comment: BS1, BS2, BP4, BP7

GeneDx
Classification: Benign. Last evaluated: 2020-09-03. Review status: criteria provided, single submitter. Criteria: GeneDx Variant Classification Process June 2021. Collection method: clinical testing. Allele origin: germline. Affected: yes.